The following is an entry in ClinVar:

NM_003458.4(BSN):c.10658A>G (p.Tyr3553Cys)

Gene: BSN (bassoon presynaptic cytomatrix protein; plus strand). Cytogenetic location: 3p21.31.
Variant type: single nucleotide variant.
Coding change: c.10658A>G on transcript NM_003458.4 (MANE Select); coding-DNA position 10658, A replaced by G.
Protein change: p.Tyr3553Cys; replaces tyrosine 3553 with cysteine.
Molecular consequence: missense variant.
Genome position (GRCh38, 1-based): chr3:49,662,503, A>G. VCF-style: chr3-49662503-A-G. GRCh37 (hg19) VCF-style: chr3-49699936-A-G.
Other names: short protein forms Y3553C.
Identifiers: ClinVar variation 726283 (VCV000726283.5), dbSNP rs551385691, ClinGen allele CA2401312.

ClinVar aggregate classification (germline): Likely benign. Review status: criteria provided, single submitter (1 of 4 stars). 2 submissions from 2 submitters: Likely benign (1). 1 of the submissions does not count toward it. Last evaluated 2017-10-17.

Conditions:
BSN-related disorder. Also called: BSN-related condition.

Allele frequency attached by ClinVar (database versions not stated): gnomAD 0.00001 and 0.00025; TOPMed 0.00006; gnomAD exomes 0.00036 and 0.00067; ExAC 0.00068; 1000 Genomes Project 30x 0.00219; 1000 Genomes Project 0.00220.
gnomAD v4.1: 575 of 1,612,654 alleles (0.036%); highest among the groups gnomAD compares: South Asian, 0.58%; 8 homozygotes.

Submissions (2):

Labcorp Genetics (formerly Invitae), Labcorp
Classification: Likely benign. Last evaluated: 2017-10-17. Review status: criteria provided, single submitter. Criteria: Invitae Variant Classification Sherloc (09022015). Collection method: clinical testing. Allele origin: germline.

PreventionGenetics, part of Exact Sciences
Classification: Likely benign for BSN-related condition. Last evaluated: 2019-12-23. Review status: no assertion criteria provided. Collection method: clinical testing. Allele origin: germline. Not counted in ClinVar's aggregate classification.
Comment: This variant is classified as likely benign based on ACMG/AMP sequence variant interpretation guidelines (Richards et al. 2015 PMID: 25741868, with internal and published modifications).